The following is an entry in ClinVar:

ClinVar aggregate classification (germline): Likely benign. Review status: criteria provided, multiple submitters, no conflicts (2 of 4 stars). 2 submissions from 2 submitters: Likely benign (2). Last evaluated 2025-01-28.

Conditions:
PDE11A-related disorder. Also called: PDE11A-related condition.

Submissions (2):

PreventionGenetics, part of Exact Sciences
Classification: Likely benign for PDE11A-related condition. Last evaluated: 2025-01-28. Review status: criteria provided, single submitter. Criteria: ACMG Guidelines, 2015. Collection method: clinical testing. Allele origin: germline.
Comment: This variant is classified as likely benign based on ACMG/AMP sequence variant interpretation guidelines (Richards et al. 2015 PMID: 25741868, with internal and published modifications).

Blueprint Genetics
Classification: Likely benign. Last evaluated: 2024-10-24. Review status: criteria provided, single submitter. Criteria: ACMG Guidelines, 2015. Collection method: clinical testing. Allele origin: germline.

NM_016953.4(PDE11A):c.2647-22GTTTT[5]

Gene: PDE11A (phosphodiesterase 11A; minus strand). Cytogenetic location: 2q31.2.
Variant type: Microsatellite.
Coding change: c.2647-22GTTTT[5] on transcript NM_016953.4 (MANE Select); five copies in a row of the 5-base unit GTTTT starting at c.2647-22; the reference has four copies in a row; one copy, 5 bases duplicated.
Molecular consequence: intron variant.
Genome position (GRCh38, 1-based): chr2:177,629,565-177,629,569, AAAAC duplicated on the plus strand (GTTTT on the coding strand, the reverse complement: PDE11A is on the minus strand); duplicating any 5 consecutive bases within chr2:177,629,565-177,629,585 gives the same sequence; the position shown is the placement nearest the transcript's 3' end. VCF-style (leftmost placement, unchanged base first): chr2-177629564-T-TAAAAC. GRCh37 (hg19) VCF-style: chr2-178494292-T-TAAAAC.
Other names: c.1897-22GTTTT[5] (NM_001077197.2); c.1573-22GTTTT[5] (NM_001077358.2); c.1315-22GTTTT[5] (NM_001077196.2); c.2647-7_2647-3dup5 (NM_016953.3).
Identifiers: ClinVar variation 4957848 (VCV004957848.2).
Genomic context (GRCh38, chr2:177,629,564, plus strand): 5'-CTGTTTGTAGCTACTGAATCTAGCATCGGCTTCAGTTTCACGTTGACCTTCACCAGTGCC[T>TAAAAC]AAAACAAAACAAAACAAAACACAGGTGGAGGAGAGAGGAAACAGAGTAACTGACATGATT-3'